The following is an entry in ClinVar:

NM_194454.3(KRIT1):c.510A>G (p.Gln170=)

Gene: KRIT1 (KRIT1 ankyrin repeat containing; minus strand). Cytogenetic location: 7q21.2.
Variant type: single nucleotide variant.
Coding change: c.510A>G on transcript NM_194454.3 (MANE Select); coding-DNA position 510, A replaced by G.
Protein change: p.Gln170=; no amino-acid change (glutamine 170 retained).
Molecular consequence: synonymous variant. On other transcripts: 5 prime UTR variant (1).
Genome position (GRCh38, 1-based): chr7:92,235,622, T>C on the plus strand (A>G on the coding strand, the complement: KRIT1 is on the minus strand). VCF-style: chr7-92235622-T-C. GRCh37 (hg19) VCF-style: chr7-91864936-T-C.
Other names: p.Gln170=; c.510A>G, p.Gln170= (NM_001013406.2, NM_001350669.1, NM_001350670.1 and 29 more transcripts); c.-74A>G (NM_001350671.1).
Identifiers: ClinVar variation 263101 (VCV000263101.40), dbSNP rs200684252, ClinGen allele CA4339353.

ClinVar aggregate classification (germline): Likely benign. Review status: criteria provided, multiple submitters, no conflicts (2 of 4 stars). 5 submissions from 5 submitters: Likely benign (5). Last evaluated 2026-03-16.

Conditions:
Inborn genetic diseases. Identifiers: MedGen C0950123, MeSH D030342.
Cerebral cavernous malformation (CCM). Also called: CAVERNOUS ANGIOMA, FAMILIAL; CAVERNOUS ANGIOMATOUS MALFORMATIONS; CEREBRAL CAPILLARY MALFORMATIONS; Cerebral cavernous hemangioma (type); Cavernous Hemangioma of Brain; Cerebral cavernous malformations. Identifiers: Orphanet 221061, MedGen C2919945, MONDO:0000820, OMIM 116860, HP:0033522.

Allele frequency attached by ClinVar (database versions not stated): TOPMed 0.00009; gnomAD exomes 0.00010 and 0.00013; ExAC 0.00015; 1000 Genomes Project 30x 0.00016; gnomAD 0.00018; 1000 Genomes Project 0.00020; ESP Exome Variant Server 0.00031.
gnomAD v4.1: 170 of 1,613,870 alleles (0.011%); highest among the groups gnomAD compares: Non-Finnish European, 0.0097%; 1 homozygote.

Submissions (5):

Women's Health and Genetics/Laboratory Corporation of America, LabCorp
Classification: Likely benign. Last evaluated: 2026-03-16. Review status: criteria provided, single submitter. Criteria: LabCorp Variant Classification Summary - May 2015. Collection method: clinical testing. Allele origin: germline.

Mayo Clinic Laboratories, Mayo Clinic
Classification: Likely benign. Last evaluated: 2025-12-06. Review status: criteria provided, single submitter. Criteria: ACMG Guidelines, 2015. Collection method: clinical testing. Allele origin: germline. Observed: 1 variant allele.
Comment: BS2, BP4, BP7

Labcorp Genetics (formerly Invitae), Labcorp
Classification: Likely benign for Cerebral cavernous malformation. Last evaluated: 2025-10-07. Review status: criteria provided, single submitter. Criteria: Invitae Variant Classification Sherloc (09022015). Collection method: clinical testing. Allele origin: germline.

Ambry Genetics
Classification: Likely benign for Inborn genetic diseases. Last evaluated: 2023-05-27. Review status: criteria provided, single submitter. Criteria: Ambry Variant Classification Scheme 2023. Collection method: clinical testing. Allele origin: germline.

PreventionGenetics, part of Exact Sciences
Classification: Likely benign. Review status: criteria provided, single submitter. Criteria: ACMG Guidelines, 2015. Collection method: clinical testing. Allele origin: germline.